The following is an entry in ClinVar:

NM_001083962.2(TCF4):c.-21+18C>T

Gene: TCF4 (transcription factor 4; minus strand). Cytogenetic location: 18q21.2.
Variant type: single nucleotide variant.
Coding change: c.-21+18C>T on transcript NM_001083962.2 (MANE Select); 18 bases into the intron after 21 bases upstream of the start codon, C replaced by T.
Molecular consequence: intron variant.
Genome position (GRCh38, 1-based): chr18:55,588,020, G>A on the plus strand (C>T on the coding strand, the complement: TCF4 is on the minus strand). VCF-style: chr18-55588020-G-A. GRCh37 (hg19) VCF-style: chr18-53255251-G-A.
Other names: c.287-884C>T (NM_001243226.3); c.-1+1277C>T (NM_001369584.1, NM_001369576.1, NM_001369577.1 and 3 more transcripts); c.-20-884C>T (NM_001369571.1, NM_001369567.1, NM_001243228.2); c.66+450C>T (NM_001243230.2); c.-21+450C>T (NM_001369569.1, NM_001369572.1, NM_001369568.1); c.-1+18C>T (NM_001369585.1, NM_001369578.1, NM_001369579.1 and 2 more transcripts); c.-21+18C>T (NM_001369573.1, NM_001369570.1, NM_001369574.1 and 2 more transcripts).
Identifiers: ClinVar variation 506517 (VCV000506517.1), dbSNP rs1248173869, ClinGen allele CA658799074.
Genomic context (GRCh38, chr18:55,588,020, plus strand): 5'-CGTGCGGGGCCGCCGAGCCCGAACCCCGCGCCGCCGGGCGCCTCCGCCCCGCCGAGCCCC[G>A]CAGGCGCCGGTACCTACCGCCCGCGCGCGAGAAGGGGCTCTCCGTGCACCGCCGGCGCCG-3'

ClinVar aggregate classification (germline): Likely benign (1 of 4 stars; one submission).

Allele frequency attached by ClinVar (database versions not stated): gnomAD exomes below 0.00001; gnomAD 0.00001; TOPMed 0.00002.
gnomAD v4.1: 3 of 981,130 alleles (0.00031%); highest among the groups gnomAD compares: South Asian, 0.0091%; no homozygotes.

Submission:

GeneDx
Classification: Likely benign. Last evaluated: 2017-12-05. Review status: criteria provided, single submitter. Criteria: GeneDx Variant Classification (06012015). Collection method: clinical testing. Allele origin: germline. Affected: yes.
Comment: This variant is considered likely benign or benign based on one or more of the following criteria: it is a conservative change, it occurs at a poorly conserved position in the protein, it is predicted to be benign by multiple in silico algorithms, and/or has population frequency not consistent with disease.